The following is an entry in ClinVar:

ClinVar aggregate classification (germline): Uncertain significance. Review status: criteria provided, multiple submitters, no conflicts (2 of 4 stars). 2 submissions from 2 submitters: Uncertain significance (2). Last evaluated 2025-11-20.

Conditions:
Inborn genetic diseases. Identifiers: MedGen C0950123, MeSH D030342.

Allele frequency attached by ClinVar (database versions not stated): gnomAD exomes below 0.00001.
gnomAD v4.1: 1 of 1,614,010 alleles (0.000062%); highest among the groups gnomAD compares: Non-Finnish European, 0.000085%; no homozygotes.

Submissions (2):

Ambry Genetics
Classification: Uncertain significance for Inborn genetic diseases. Last evaluated: 2025-11-20. Review status: criteria provided, single submitter. Criteria: Ambry Variant Classification Scheme 2023. Collection method: clinical testing. Allele origin: germline.

GeneDx
Classification: Uncertain significance. Last evaluated: 2022-04-20. Review status: criteria provided, single submitter. Criteria: GeneDx Variant Classification Process June 2021. Collection method: clinical testing. Allele origin: germline. Affected: yes.
Comment: Not observed at significant frequency in large population cohorts (gnomAD); In silico analysis supports that this missense variant has a deleterious effect on protein structure/function; Has not been previously published as pathogenic or benign to our knowledge

NM_016284.5(CNOT1):c.4741G>A (p.Gly1581Ser)

Gene: CNOT1 (CCR4-NOT transcription complex subunit 1; minus strand). Cytogenetic location: 16q21.
Variant type: single nucleotide variant.
Coding change: c.4741G>A on transcript NM_016284.5 (MANE Select); coding-DNA position 4741, G replaced by A.
Protein change: p.Gly1581Ser; replaces glycine 1581 with serine.
Molecular consequence: missense variant. On other transcripts: non-coding transcript variant (1).
Genome position (GRCh38, 1-based): chr16:58,541,560, C>T on the plus strand (G>A on the coding strand, the complement: CNOT1 is on the minus strand). VCF-style: chr16-58541560-C-T. GRCh37 (hg19) VCF-style: chr16-58575464-C-T.
Other names: c.4726G>A, p.Gly1576Ser (NM_001265612.2); c.4741G>A (NM_016284.3); short protein forms G1576S, G1581S.
Identifiers: ClinVar variation 1712181 (VCV001712181.3), dbSNP rs2543888064, ClinGen allele CA396167969.